The following is an entry in ClinVar:

NM_001379180.1(ESRRB):c.322T>G (p.Ser108Ala)

Gene: ESRRB (estrogen related receptor beta; plus strand). Cytogenetic location: 14q24.3.
Variant type: single nucleotide variant.
Coding change: c.322T>G on transcript NM_001379180.1 (MANE Select); coding-DNA position 322, T replaced by G.
Protein change: p.Ser108Ala; replaces serine 108 with alanine.
Molecular consequence: missense variant.
Genome position (GRCh38, 1-based): chr14:76,439,612, T>G. VCF-style: chr14-76439612-T-G. GRCh37 (hg19) VCF-style: chr14-76905955-T-G.
Other names: c.274T>G, p.Ser92Ala (NM_001411038.1); c.259T>G, p.Ser87Ala (NM_004452.4); short protein forms S108A, S87A, S92A.
Identifiers: ClinVar variation 3253223 (VCV003253223.4), dbSNP rs775448717.
Genomic context (GRCh38, chr14:76,439,612, plus strand): 5'-CTGGGAGGCACCCCATGCCGCAAGAGCTACGAGGACTGTGCCAGCGGCATCATGGAGGAC[T>G]CGGCCATCAAGTGCGAGTACATGCTCAACGCCATCCCCAAGCGCCTGTGCCTCGTGTGCG-3'
Protein context (NP_001366109.1, residues 98-118): EDCASGIMED[Ser108Ala]AIKCEYMLNA

ClinVar aggregate classification (germline): Uncertain significance. Review status: criteria provided, multiple submitters, no conflicts (2 of 4 stars). 3 submissions from 3 submitters: Uncertain significance (3). Last evaluated 2025-06-10.

Allele frequency attached by ClinVar (database versions not stated): gnomAD exomes 0.00002; TOPMed 0.00004; ExAC 0.00005; gnomAD 0.00005.
gnomAD v4.1: 33 of 1,614,106 alleles (0.002%); highest among the groups gnomAD compares: Admixed American, 0.035%; no homozygotes.

Submissions (3):

GeneDx
Classification: Uncertain significance. Last evaluated: 2025-06-10. Review status: criteria provided, single submitter. Criteria: GeneDx Variant Classification Process June 2021. Collection method: clinical testing. Allele origin: germline.
Comment: In silico analysis suggests that this missense variant does not alter protein structure/function; Has not been previously published as pathogenic or benign to our knowledge

Ambry Genetics
Classification: Uncertain significance. Last evaluated: 2024-04-29. Review status: criteria provided, single submitter. Criteria: Ambry Variant Classification Scheme 2023. Collection method: clinical testing. Allele origin: germline.

Blueprint Genetics
Classification: Uncertain significance. Last evaluated: 2023-06-12. Review status: criteria provided, single submitter. Criteria: ACMG Guidelines, 2015. Collection method: clinical testing. Allele origin: germline.